The following is an entry in ClinVar:

ClinVar aggregate classification (germline): Uncertain significance (1 of 4 stars; one submission).

gnomAD v4.1: 1 of 1,609,448 alleles (0.000062%); highest among the groups gnomAD compares: South Asian, 0.0011%; no homozygotes.

Submission:

Labcorp Genetics (formerly Invitae), Labcorp
Classification: Uncertain significance. Last evaluated: 2023-08-16. Review status: criteria provided, single submitter. Criteria: Invitae Variant Classification Sherloc (09022015). Collection method: clinical testing. Allele origin: germline.
Comment: In summary, the available evidence is currently insufficient to determine the role of this variant in disease. Therefore, it has been classified as a Variant of Uncertain Significance. An algorithm developed to predict the effect of missense changes on protein structure and function (PolyPhen-2) suggests that this variant is likely to be disruptive. This variant has not been reported in the literature in individuals affected with ERBIN-related conditions. This variant is present in population databases (no rsID available, gnomAD 0.003%). This sequence change replaces alanine, which is neutral and non-polar, with threonine, which is neutral and polar, at codon 1365 of the ERBIN protein (p.Ala1365Thr).

NM_001253697.2(ERBIN):c.4093G>A (p.Ala1365Thr)

Gene: ERBIN (erbb2 interacting protein; plus strand). Cytogenetic location: 5q12.3.
Variant type: single nucleotide variant.
Coding change: c.4093G>A on transcript NM_001253697.2 (MANE Select); coding-DNA position 4093, G replaced by A.
Protein change: p.Ala1365Thr; replaces alanine 1365 with threonine.
Molecular consequence: missense variant. On other transcripts: intron variant (1).
Genome position (GRCh38, 1-based): chr5:66,076,911, G>A. VCF-style: chr5-66076911-G-A. GRCh37 (hg19) VCF-style: chr5-65372739-G-A.
Other names: c.3763G>A, p.Ala1255Thr (NM_001006600.3); c.4114G>A, p.Ala1372Thr (NM_001253699.2); c.3958G>A, p.Ala1320Thr (NM_001253701.2); c.3970G>A, p.Ala1324Thr (NM_018695.4); c.3933+503G>A (NM_001253698.2); short protein forms A1320T, A1324T, A1372T, A1255T, A1365T.
Identifiers: ClinVar variation 2984441 (VCV002984441.3), dbSNP rs1254849527, ClinGen allele CA359871643.